The following is an entry in ClinVar:

NM_016035.5(COQ4):c.1A>G (p.Met1Val)

Gene: COQ4 (coenzyme Q4; plus strand). Cytogenetic location: 9q34.11.
Variant type: single nucleotide variant.
Coding change: c.1A>G on transcript NM_016035.5 (MANE Select); coding-DNA position 1, A replaced by G.
Protein change: p.Met1Val; changes the start codon (methionine 1).
Molecular consequence: missense variant, initiator codon variant.
Genome position (GRCh38, 1-based): chr9:128,322,859, A>G. VCF-style: chr9-128322859-A-G. GRCh37 (hg19) VCF-style: chr9-131085138-A-G.
Other names: c.1A>G, p.Met1Val (NM_001305942.2); short protein forms M1V.
Identifiers: ClinVar variation 1033389 (VCV001033389.3), dbSNP rs751764908, ClinGen allele CA5260357.

ClinVar aggregate classification (germline): Conflicting classifications of pathogenicity. Review status: criteria provided, conflicting classifications (1 of 4 stars). 2 submissions from 2 submitters: Likely pathogenic (1); Uncertain significance (1). Last evaluated 2024-04-27.

Conditions:
Neonatal encephalomyopathy-cardiomyopathy-respiratory distress syndrome. Also called: Coenzyme Q10 deficiency, primary, 7. Identifiers: Orphanet 457185, MedGen C5568562, MONDO:0014562, OMIM 616276.
Spastic ataxia 10, autosomal recessive (SPAX10). Identifiers: MedGen C5882738, MONDO:0958009, OMIM 620666.

Allele frequency attached by ClinVar (database versions not stated): TOPMed below 0.00001; gnomAD 0.00001; ExAC 0.00005.

Submissions (2):

Fulgent Genetics
Classification: Likely pathogenic for Neonatal encephalomyopathy-cardiomyopathy-respiratory distress syndrome; Spastic ataxia 10, autosomal recessive. Last evaluated: 2024-04-27. Review status: criteria provided, single submitter. Criteria: ACMG Guidelines, 2015. Collection method: clinical testing. Allele origin: germline.

Baylor Genetics
Classification: Uncertain significance for Neonatal encephalomyopathy-cardiomyopathy-respiratory distress syndrome. Last evaluated: 2018-02-05. Review status: criteria provided, single submitter. Criteria: ACMG Guidelines, 2015. Collection method: clinical testing. Allele origin: maternal. Affected: yes.
Comment: This variant was determined to be of uncertain significance according to ACMG Guidelines, 2015 [PMID:25741868].